The following is an entry in ClinVar:

NC_000022.10:g.(?_18593574)_(18614500_?)dup

Gene: TUBA8 (tubulin alpha 8; plus strand). Cytogenetic location: 22q11.21.
Variant type: Duplication.
Identifiers: ClinVar variation 4847712 (VCV004847712.1).

ClinVar aggregate classification (germline): Uncertain significance (1 of 4 stars; one submission).

Submission:

Women's Health and Genetics/Laboratory Corporation of America, LabCorp
Classification: Uncertain significance. Last evaluated: 2026-03-24. Review status: criteria provided, single submitter. Criteria: LabCorp Variant Classification Summary - May 2015. Collection method: clinical testing. Allele origin: germline.
Comment: Variant summary: The variant involves the duplication of exons 1-5 in the TUBA8 gene. A presumed nomenclature of c.(?_-58)_(*597_?)dup has been designated for the purposes of this classification. This duplication includes the entire coding sequence of the gene. As exact breakpoints are unknown, it may extend beyond the annotated region of the gene, to include other flanking genes. A large duplication which encompasses the entire gene (together with the flanking genes PEX26 and USP18) was found at a frequency of 0.00011 in 120724 control chromosomes. This frequency is not significantly higher than estimated for disease-causing variants in TUBA8, allowing no conclusion about variant significance. To our knowledge, duplications confined to the TUBA8 gene have not been reported in the literature in individuals affected with TUBA8-related conditions, and no experimental evidence demonstrating its impact on protein function has been reported. No submitters have cited clinical-significance assessments for this variant to ClinVar. Based on the evidence outlined above, the variant was classified as uncertain significance.